The following is an entry in ClinVar:

ClinVar aggregate classification (germline): Conflicting classifications of pathogenicity. Review status: criteria provided, conflicting classifications (1 of 4 stars). 9 submissions from 9 submitters: Pathogenic (1); Likely pathogenic (3); Uncertain significance (5). Last evaluated 2026-09-18.

Conditions:
Isolated thoracic aortic aneurysm.
Cardiovascular phenotype. Identifiers: MedGen CN230736.
Familial thoracic aortic aneurysm and aortic dissection (TAAD). Also called: Thoracic aortic aneurysms and dissections. Identifiers: Orphanet 91387, MedGen C4707243, MONDO:0019625.
Aneurysm-osteoarthritis syndrome. Also called: Loeys-Dietz syndrome, type 1C; LOEYS-DIETZ SYNDROME WITH OSTEOARTHRITIS; SMAD3-Related Loeys-Dietz Syndrome; ANEURYSMS-OSTEOARTHRITIS SYNDROME. Identifiers: Orphanet 284984, MedGen C3151087, MONDO:0013426, OMIM 613795.

Allele frequency attached by ClinVar (database versions not stated): gnomAD 0.00001.
gnomAD v4.1: 1 of 1,614,150 alleles (0.000062%); highest among the groups gnomAD compares: South Asian, 0.0011%; no homozygotes.

Submissions (9):

GeneDx
Classification: Uncertain significance. Last evaluated: 2026-09-18. Review status: criteria provided, single submitter. Criteria: GeneDx Variant Classification Process June 2021. Collection method: clinical testing. Allele origin: germline.
Comment: Not observed at significant frequency in large population cohorts (gnomAD); In silico analysis supports that this missense variant has a deleterious effect on protein structure/function; This variant is associated with the following publications: (PMID: 30661052, 30739908, 33824467, 40923070)

Labcorp Genetics (formerly Invitae), Labcorp
Classification: Pathogenic for Familial thoracic aortic aneurysm and aortic dissection. Last evaluated: 2026-01-08. Review status: criteria provided, single submitter. Criteria: Invitae Variant Classification Sherloc (09022015). Collection method: clinical testing. Allele origin: germline.
Comment: This sequence change replaces arginine, which is basic and polar, with cysteine, which is neutral and slightly polar, at codon 373 of the SMAD3 protein (p.Arg373Cys). This variant is not present in population databases (gnomAD no frequency). This missense change has been observed in individuals with SMAD3-related conditions (PMID: 30661052; external communication, internal data). ClinVar contains an entry for this variant (Variation ID: 213774). Invitae Evidence Modeling incorporating data from in vitro experimental studies (internal data) indicates that this missense variant is expected to disrupt SMAD3 function with a positive predictive value of 95%. This variant disrupts the p.Arg373 amino acid residue in SMAD3. Other variant(s) that disrupt this residue have been determined to be pathogenic (PMID: 16828225, 25944730, 30661052; internal data). This suggests that this residue is clinically significant, and that variants that disrupt this residue are likely to be disease-causing. For these reasons, this variant has been classified as Pathogenic.

Women's Health and Genetics/Laboratory Corporation of America, LabCorp
Classification: Uncertain significance. Last evaluated: 2025-06-09. Review status: criteria provided, single submitter. Criteria: LabCorp Variant Classification Summary - May 2015. Collection method: clinical testing. Allele origin: germline.
Comment: Variant summary: SMAD3 c.1117C>T (p.Arg373Cys) results in a non-conservative amino acid change in the encoded protein sequence. Algorithms developed to predict the effect of missense changes on protein structure and function all suggest that this variant is likely to be disruptive. The variant was absent in 251492 control chromosomes. c.1117C>T has been observed in individual(s) affected with Thoracic Aortic Aneurysms And Dissections (e.g. Arnaud_2019, Hostetler_2019, Li_2021, Yang_2023). These report(s) do not provide unequivocal conclusions about association of the variant with Thoracic Aortic Aneurysms And Dissections. To our knowledge, no experimental evidence demonstrating an impact on protein function has been reported. However a different variant affecting the same codon has been classified as likely pathogenic/pathogenic (c.1118G>A (p.Arg373His)), supporting the critical relevance of codon 373 to SMAD3 protein function. The following publications have been ascertained in the context of this evaluation (PMID: 30739908, 30661052, 33824467, 36517271). ClinVar contains an entry for this variant (Variation ID: 213774). Based on the evidence outlined above, the variant was classified as VUS-possibly pathogenic.

Molecular Diagnostic Laboratory for Inherited Cardiovascular Disease, Montreal Heart Institute
Classification: Likely pathogenic for Cardiovascular phenotype. Last evaluated: 2025-05-08. Review status: criteria provided, single submitter. Criteria: ACMG Guidelines, 2015. Collection method: clinical testing. Allele origin: germline. Affected: yes.
Comment: PS4_mod, PM2, PM5, PP3

Ambry Genetics
Classification: Likely pathogenic for Familial thoracic aortic aneurysm and aortic dissection. Last evaluated: 2024-12-18. Review status: criteria provided, single submitter. Criteria: Ambry Variant Classification Scheme 2023. Collection method: clinical testing. Allele origin: germline.
Comment: The p.R373C variant (also known as c.1117C>T), located in coding exon 8 of the SMAD3 gene, results from a C to T substitution at nucleotide position 1117. The arginine at codon 373 is replaced by cysteine, an amino acid with highly dissimilar properties. This variant was reported in individual(s) with features consistent with SMAD3-related Loeys-Dietz syndrome (Arnaud P et al. Genet Med, 2019 09;21:2015-2024; Hostetler EM et al. J Med Genet, 2019 04;56:252-260; Li Y et al. Eur J Hum Genet. 2021 Jul;29(7):1129-1138; Ambry internal data). Other variant(s) at the same codon, p.R373H (c.1118G>A), have been identified in individual(s) with features consistent with SMAD3-related Loeys-Dietz syndrome (Wooderchak-Donahue W et al. Am J Med Genet A, 2015 Aug;167A:1747-57; Yang H et al. Orphanet J Rare Dis, 2020 01;15:6; Ambry internal data). This missense alteration is located in a region that has a low rate of benign missense variation (Lek M et al. Nature. 2016 Aug 18;536(7616):285-91; DECIPHER: Database of Chromosomal Imbalance and Phenotype in Humans using Ensembl Resources. Firth H.V. et al. 2009. Am.J.Hum.Genet. 84, 524-533 (DOI)). This amino acid position is highly conserved in available vertebrate species. In addition, this alteration is predicted to be deleterious by in silico analysis. This variant is considered to be rare based on population cohorts in the Genome Aggregation Database (gnomAD). Based on the majority of available evidence to date, this variant is likely to be pathogenic.

ARUP Laboratories, Molecular Genetics and Genomics, ARUP Laboratories
Classification: Uncertain significance for Aneurysm-osteoarthritis syndrome. Last evaluated: 2023-11-30. Review status: criteria provided, single submitter. Criteria: ARUP Molecular Germline Variant Investigation Process 2024. Collection method: clinical testing. Allele origin: germline.
Comment: The SMAD3 c.1117C>T; p.Arg373Cys variant (rs863223746) is reported in the literature in individuals affected with thoracic aortic aneurysms, dissections, or dilation (Arnaud 2019, Hostetler 2019, Li 2021). This variant is reported in ClinVar (Variation ID: 213774) and is absent from the Genome Aggregation Database (v2.1.1), indicating it is not a common polymorphism. Computational analyses predict that this variant is deleterious (REVEL: 0.958). Additionally, another variant at this codon (c.1118G>A, p.Arg373His) has been reported in individuals with aortic dilation/dissection and is considered likely pathogenic (Hostetler 2019, Wooderchak-Donahue 2015). Due to limited information, the clinical significance of the p.Arg373Cys variant is uncertain at this time. References: Arnaud P et al. Genetic diversity and pathogenic variants as possible predictors of severity in a French sample of nonsyndromic heritable thoracic aortic aneurysms and dissections (nshTAAD). Genet Med. 2019 Sep;21(9):2015-2024. PMID: 30739908. Hostetler EM et al. SMAD3 pathogenic variants: risk for thoracic aortic disease and associated complications from the Montalcino Aortic Consortium. J Med Genet. 2019 Apr;56(4):252-260. PMID: 30661052. Li Y et al. Evaluating the monogenic contribution and genotype-phenotype correlation in patients with isolated thoracic aortic aneurysm. Eur J Hum Genet. 2021 Jul;29(7):1129-1138. PMID: 33824467. Wooderchak-Donahue W et al. Clinical utility of a next generation sequencing panel assay for Marfan and Marfan-like syndromes featuring aortopathy. Am J Med Genet A. 2015 Aug;167A(8):1747-57. PMID: 25944730.

All of Us Research Program, National Institutes of Health
Classification: Uncertain significance for Aneurysm-osteoarthritis syndrome. Last evaluated: 2023-05-04. Review status: criteria provided, single submitter. Criteria: ACMG Guidelines, 2015. Collection method: clinical testing. Allele origin: germline. Inheritance: Autosomal dominant inheritance. Observed: 1 variant allele, 1 heterozygote.
Comment: This missense variant replaces arginine with cysteine at codon 373 of the SMAD3 protein. Computational prediction tool suggests that this variant may have deleterious impact on protein structure and function (internally defined REVEL score threshold >=0.7, PMID: 27666373). Splice site prediction tools suggest that this variant may not impact RNA splicing. To our knowledge, functional studies have not been performed for this variant. This variant has been reported in two individuals affected with thoracic aortic aneurysms and dissections (PMID: 30739908). This variant has not been identified in the general population by the Genome Aggregation Database (gnomAD). The available evidence is insufficient to determine the role of this variant in disease conclusively. Therefore, this variant is classified as a Variant of Uncertain Significance.

This study involves interpretation of variants in research participants for the purpose of population health screening. Participant phenotype was not available at the time of variant classification. Additional details can be found in publication PMID: 35346344, PMCID: PMC8962531

Color Diagnostics, LLC DBA Color Health
Classification: Likely pathogenic for Familial thoracic aortic aneurysm and aortic dissection. Last evaluated: 2023-02-07. Review status: criteria provided, single submitter. Criteria: ACMG Guidelines, 2015. Collection method: clinical testing. Allele origin: germline.
Comment: This missense variant replaces arginine with cysteine at codon 373 in the MH2 protein interaction domain of the SMAD3 protein. Computational prediction suggests that this variant may have deleterious impact on protein structure and function (internally defined REVEL score threshold >= 0.7, PMID: 27666373). To our knowledge, functional studies have not been reported for this variant. This variant has been reported in a few individuals affected with thoracic aortic aneurysms and dissections (PMID: 30661052, 30739908) or related conditions (ClinVar SCV000658868.6). This variant has not been identified in the general population by the Genome Aggregation Database (gnomAD). A different missense variant occurring at the same codon, p.Arg373His, is known to be pathogenic (Clinvar variation ID: 405561), indicating that arginine at this position is important for SMAD3 protein function. Based on the available evidence, this variant is classified as Likely Pathogenic.

Department of Vascular Biology, Beijing Anzhen Hospital
Classification: Uncertain significance for Isolated thoracic aortic aneurysm. Last evaluated: 2018-09-01. Review status: criteria provided, single submitter. Criteria: ACMG Guidelines, 2015. Collection method: research. Allele origin: germline. Affected: yes.

Literature cited by the submitters: PubMed 30661052 (cited by 4 submitters); PubMed 16828225 (cited by Labcorp Genetics (formerly Invitae), Labcorp); PubMed 25944730 (cited by Labcorp Genetics (formerly Invitae), Labcorp); PubMed 30739908 (cited by 4 submitters); PubMed 33824467 (cited by Women's Health and Genetics/Laboratory Corporation of America, LabCorp and Ambry Genetics); PubMed 36517271 (cited by Women's Health and Genetics/Laboratory Corporation of America, LabCorp).

NM_005902.4(SMAD3):c.1117C>T (p.Arg373Cys)

Gene: SMAD3 (SMAD family member 3; plus strand). Cytogenetic location: 15q22.33.
Variant type: single nucleotide variant.
Coding change: c.1117C>T on transcript NM_005902.4 (MANE Select); coding-DNA position 1117, C replaced by T.
Protein change: p.Arg373Cys; replaces arginine 373 with cysteine.
Molecular consequence: missense variant.
Genome position (GRCh38, 1-based): chr15:67,187,472, C>T. VCF-style: chr15-67187472-C-T. GRCh37 (hg19) VCF-style: chr15-67479810-C-T.
Other names: p.R373C:CGC>TGC; c.802C>T, p.Arg268Cys (NM_001145102.2); c.985C>T, p.Arg329Cys (NM_001145103.2); c.532C>T, p.Arg178Cys (NM_001145104.2); short protein forms R373C, R268C, R178C, R329C.
Identifiers: ClinVar variation 213774 (VCV000213774.30), dbSNP rs863223746, ClinGen allele CA324404.
Genomic context (GRCh38, chr15:67,187,472, plus strand): 5'-GCCCAGTCGGTCAACCAGGGCTTTGAGGCTGTCTACCAGTTGACCCGAATGTGCACCATC[C>T]GCATGAGCTTCGTCAAAGGCTGGGGAGCGGAGTACAGGTCAGTTATGGGTGCTGCCTACA-3'
Protein context (NP_005893.1, residues 363-383): VYQLTRMCTI[Arg373Cys]MSFVKGWGAE